The following is an entry in ClinVar:

NM_000092.5(COL4A4):c.2160_2163dup (p.Gly722fs)

Gene: COL4A4 (collagen type IV alpha 4 chain; minus strand). Cytogenetic location: 2q36.3.
Variant type: Duplication.
Coding change: c.2160_2163dup on transcript NM_000092.5 (MANE Select); coding-DNA positions 2160 to 2163, 4 bases duplicated (ACCT; older notation c.2160_2163dupACCT).
Protein change: p.Gly722fs; shifts the reading frame from glycine 722.
Molecular consequence: frameshift variant.
Genome position (GRCh38, 1-based): chr2:227,060,137-227,060,140, AGGT duplicated on the plus strand (ACCT on the coding strand, the reverse complement: COL4A4 is on the minus strand). VCF-style (leftmost placement, unchanged base first): chr2-227060136-C-CAGGT. GRCh37 (hg19) VCF-style: chr2-227924852-C-CAGGT.
Other names: short protein forms G722fs.
Identifiers: ClinVar variation 992388 (VCV000992388.8), dbSNP rs1976595425, ClinGen allele CA1139657752.

ClinVar aggregate classification (germline): Pathogenic. Review status: criteria provided, single submitter (1 of 4 stars). 2 submissions from 2 submitters: Pathogenic (1). 1 of the submissions does not count toward it. Last evaluated 2020-09-10.

Conditions:
Autosomal dominant Alport syndrome (ATS3A). Also called: Alport syndrome dominant type; Renal failure and sensorineural hearing loss; ALPORT SYNDROME 3A, AUTOSOMAL DOMINANT. Identifiers: Orphanet 63, Orphanet 88918, MedGen C5882663, MONDO:0007086, OMIM 104200.

Submissions (2):

Labcorp Genetics (formerly Invitae), Labcorp
Classification: Pathogenic. Last evaluated: 2020-09-10. Review status: criteria provided, single submitter. Criteria: Invitae Variant Classification Sherloc (09022015). Collection method: clinical testing. Allele origin: germline.
Comment: Loss-of-function variants in COL4A4 are known to be pathogenic (PMID: 21196518, 24854265, 25307543). This sequence change creates a premature translational stop signal (p.Gly722Thrfs*6) in the COL4A4 gene. It is expected to result in an absent or disrupted protein product. This variant is not present in population databases (ExAC no frequency). This variant has not been reported in the literature in individuals with COL4A4-related conditions. For these reasons, this variant has been classified as Pathogenic.

Bioscientia Institut fuer Medizinische Diagnostik GmbH, Sonic Healthcare
Classification: Likely pathogenic for Autosomal dominant Alport syndrome. Last evaluated: 2020-01-07. Review status: no assertion criteria provided. Collection method: clinical testing. Allele origin: germline. Affected: yes. Not counted in ClinVar's aggregate classification.

Literature cited by the submitters: PubMed 21196518 (cited by Labcorp Genetics (formerly Invitae), Labcorp); PubMed 24854265 (cited by Labcorp Genetics (formerly Invitae), Labcorp); PubMed 25307543 (cited by Labcorp Genetics (formerly Invitae), Labcorp).